The following is an entry in ClinVar:

ClinVar aggregate classification (germline): Conflicting classifications of pathogenicity. Review status: criteria provided, conflicting classifications (1 of 4 stars). 3 submissions from 3 submitters: Uncertain significance (2); Likely benign (1). Last evaluated 2025-03-23.

Conditions:
Intellectual disability, X-linked 49 (MRXSRC). Also called: MRX49; CLCN4-Related Neurodevelopmental Disorder; CLCN4-related X-linked intellectual disability syndrome; MENTAL RETARDATION, X-LINKED 15; RAYNAUD-CLAES SYNDROME. Identifiers: Orphanet 485350, Orphanet 777, MedGen C0796221, MONDO:0010250, OMIM 300114.

Allele frequency attached by ClinVar (database versions not stated): gnomAD exomes below 0.00001; gnomAD 0.00002; TOPMed 0.00002.
gnomAD v4.1: 6 of 1,206,687 alleles (0.0005%); highest among the groups gnomAD compares: African/African-American, 0.0053%; no homozygotes.

Submissions (3):

Labcorp Genetics (formerly Invitae), Labcorp
Classification: Uncertain significance. Last evaluated: 2025-03-23. Review status: criteria provided, single submitter. Criteria: Invitae Variant Classification Sherloc (09022015). Collection method: clinical testing. Allele origin: germline.
Comment: This sequence change replaces valine, which is neutral and non-polar, with isoleucine, which is neutral and non-polar, at codon 454 of the CLCN4 protein (p.Val454Ile). This variant is not present in population databases (gnomAD no frequency). This variant has not been reported in the literature in individuals affected with CLCN4-related conditions. ClinVar contains an entry for this variant (Variation ID: 2440132). Invitae Evidence Modeling of protein sequence and biophysical properties (such as structural, functional, and spatial information, amino acid conservation, physicochemical variation, residue mobility, and thermodynamic stability) indicates that this missense variant is not expected to disrupt CLCN4 protein function with a negative predictive value of 95%. In summary, the available evidence is currently insufficient to determine the role of this variant in disease. Therefore, it has been classified as a Variant of Uncertain Significance.

Blueprint Genetics
Classification: Likely benign. Last evaluated: 2024-09-12. Review status: criteria provided, single submitter. Criteria: ACMG Guidelines, 2015. Collection method: clinical testing. Allele origin: germline.

Revvity Omics, Revvity
Classification: Uncertain significance for Intellectual disability, X-linked 49. Last evaluated: 2022-06-09. Review status: criteria provided, single submitter. Criteria: ACMG Guidelines, 2015. Collection method: clinical testing. Allele origin: germline.

NM_001830.4(CLCN4):c.1360G>A (p.Val454Ile)

Gene: CLCN4 (Cl-/H+ antiporter 4; plus strand). Cytogenetic location: Xp22.2.
Variant type: single nucleotide variant.
Coding change: c.1360G>A on transcript NM_001830.4 (MANE Select); coding-DNA position 1360, G replaced by A.
Protein change: p.Val454Ile; replaces valine 454 with isoleucine.
Molecular consequence: missense variant.
Genome position (GRCh38, 1-based): chrX:10,208,561, G>A. VCF-style: chrX-10208561-G-A. GRCh37 (hg19) VCF-style: chrX-10176601-G-A.
Other names: c.1078G>A, p.Val360Ile (NM_001256944.2); short protein forms V360I, V454I.
Identifiers: ClinVar variation 2440132 (VCV002440132.5), dbSNP rs1924456614, ClinGen allele CA412038744.
Genomic context (GRCh38, chrX:10,208,561, plus strand): 5'-GCTGGTGTCGGTGTTTACACGGCCATGTGGCAGCTGGCCCTGGCACTGATCTTCAAAATC[G>A]TCGTTACCATATTTACCTTTGGCATGAAGGTAAGTGAAAGGGAAGGAAGATGGGGTGGGG-3'
Protein context (NP_001821.2, residues 444-464): QLALALIFKI[Val454Ile]VTIFTFGMKI